The following is an entry in ClinVar:

ClinVar aggregate classification (germline): Benign. Review status: criteria provided, multiple submitters, no conflicts (2 of 4 stars). 4 submissions from 4 submitters: Benign (3). 1 of the submissions does not count toward it. Last evaluated 2026-01-28.

Conditions:
GLYCTK-related disorder. Also called: GLYCTK-related condition.

Allele frequency attached by ClinVar (database versions not stated): gnomAD exomes 0.00039 and 0.00102; ExAC 0.00130; gnomAD 0.00434 and 0.00456; TOPMed 0.00493; ESP Exome Variant Server 0.00538; 1000 Genomes Project 30x 0.00593; 1000 Genomes Project 0.00599.
gnomAD v4.1: 1,252 of 1,613,812 alleles (0.078%); highest among the groups gnomAD compares: African/African-American, 1.5%; 8 homozygotes.

Submissions (4):

Labcorp Genetics (formerly Invitae), Labcorp
Classification: Benign. Last evaluated: 2026-01-28. Review status: criteria provided, single submitter. Criteria: Invitae Variant Classification Sherloc (09022015). Collection method: clinical testing. Allele origin: germline.

CeGaT Center for Human Genetics Tuebingen
Classification: Benign. Last evaluated: 2022-03-01. Review status: criteria provided, single submitter. Criteria: CeGaT Center For Human Genetics Tuebingen Variant Classification Criteria Version 2. Collection method: clinical testing. Allele origin: germline. Affected: yes. Observed: 1 variant allele.
Comment: GLYCTK: BP4, BS1, BS2

Breakthrough Genomics
Classification: Benign. Review status: criteria provided, single submitter. Criteria: ACMG Guidelines, 2015. Collection method: not provided. Allele origin: germline. Inheritance: Autosomal recessive inheritance. Affected: yes.

PreventionGenetics, part of Exact Sciences
Classification: Benign for GLYCTK-related condition. Last evaluated: 2019-06-18. Review status: no assertion criteria provided. Collection method: clinical testing. Allele origin: germline. Not counted in ClinVar's aggregate classification.
Comment: This variant is classified as benign based on ACMG/AMP sequence variant interpretation guidelines (Richards et al. 2015 PMID: 25741868, with internal and published modifications).

NM_145262.4(GLYCTK):c.843A>G (p.Pro281=)

Gene: GLYCTK (glycerate kinase; plus strand). Cytogenetic location: 3p21.2.
Variant type: single nucleotide variant.
Coding change: c.843A>G on transcript NM_145262.4 (MANE Select); coding-DNA position 843, A replaced by G.
Protein change: p.Pro281=; no amino-acid change (proline 281 retained).
Molecular consequence: synonymous variant. On other transcripts: missense variant (1), non-coding transcript variant (3).
Genome position (GRCh38, 1-based): chr3:52,292,397, A>G. VCF-style: chr3-52292397-A-G. GRCh37 (hg19) VCF-style: chr3-52326413-A-G.
Other names: c.667A>G, p.Thr223Ala (NM_001144951.2); c.667A>G (NM_001144951.1); short protein forms T223A.
Identifiers: ClinVar variation 783382 (VCV000783382.33), dbSNP rs34908853, ClinGen allele CA2432198.